The following is an entry in ClinVar:

NM_006231.4(POLE):c.1282G>C (p.Ala428Pro)

Gene: POLE (DNA polymerase epsilon, catalytic subunit; minus strand). Cytogenetic location: 12q24.33.
Variant type: single nucleotide variant.
Coding change: c.1282G>C on transcript NM_006231.4 (MANE Select); coding-DNA position 1282, G replaced by C.
Protein change: p.Ala428Pro; replaces alanine 428 with proline.
Molecular consequence: missense variant.
Genome position (GRCh38, 1-based): chr12:132,673,652, C>G on the plus strand (G>C on the coding strand, the complement: POLE is on the minus strand). VCF-style: chr12-132673652-C-G. GRCh37 (hg19) VCF-style: chr12-133250238-C-G.
Other names: short protein forms A428P.
Identifiers: ClinVar variation 860595 (VCV000860595.9), dbSNP rs150032060, ClinGen allele CA387359510.

ClinVar aggregate classification (germline): Uncertain significance (1 of 4 stars; one submission).

Submission:

Labcorp Genetics (formerly Invitae), Labcorp
Classification: Uncertain significance. Last evaluated: 2019-11-26. Review status: criteria provided, single submitter. Criteria: Invitae Variant Classification Sherloc (09022015). Collection method: clinical testing. Allele origin: germline.
Comment: This sequence change replaces alanine with proline at codon 428 of the POLE protein (p.Ala428Pro). The alanine residue is moderately conserved and there is a small physicochemical difference between alanine and proline. In summary, the available evidence is currently insufficient to determine the role of this variant in disease. Therefore, it has been classified as a Variant of Uncertain Significance. Algorithms developed to predict the effect of missense changes on protein structure and function are either unavailable or do not agree on the potential impact of this missense change (SIFT: "Deleterious"; PolyPhen-2: "Probably Damaging"; Align-GVGD: "Class C0"). This variant has not been reported in the literature in individuals with POLE-related conditions. This variant is not present in population databases (ExAC no frequency).